The following is an entry in ClinVar:

ClinVar aggregate classification (germline): Uncertain significance. Review status: criteria provided, multiple submitters, no conflicts (2 of 4 stars). 2 submissions from 2 submitters: Uncertain significance (2). Last evaluated 2024-02-16.

Conditions:
KBG syndrome (KBGS). Also called: ANKRD11-Related KBG Syndrome. Identifiers: Orphanet 2332, MedGen C0220687, MONDO:0007846, OMIM 148050.

Allele frequency attached by ClinVar (database versions not stated): gnomAD exomes below 0.00001.
gnomAD v4.1: 1 of 1,614,126 alleles (0.000062%); highest among the groups gnomAD compares: Non-Finnish European, 0.000085%; no homozygotes.

Submissions (2):

Labcorp Genetics (formerly Invitae), Labcorp
Classification: Uncertain significance for KBG syndrome. Last evaluated: 2024-02-16. Review status: criteria provided, single submitter. Criteria: Invitae Variant Classification Sherloc (09022015). Collection method: clinical testing. Allele origin: germline.
Comment: This sequence change replaces tyrosine, which is neutral and polar, with cysteine, which is neutral and slightly polar, at codon 247 of the ANKRD11 protein (p.Tyr247Cys). This variant is not present in population databases (gnomAD no frequency). This variant has not been reported in the literature in individuals affected with ANKRD11-related conditions. ClinVar contains an entry for this variant (Variation ID: 2662134). Advanced modeling of protein sequence and biophysical properties (such as structural, functional, and spatial information, amino acid conservation, physicochemical variation, residue mobility, and thermodynamic stability) performed at Invitae indicates that this missense variant is expected to disrupt ANKRD11 protein function with a positive predictive value of 80%. In summary, the available evidence is currently insufficient to determine the role of this variant in disease. Therefore, it has been classified as a Variant of Uncertain Significance.

GeneDx
Classification: Uncertain significance. Last evaluated: 2023-04-28. Review status: criteria provided, single submitter. Criteria: GeneDx Variant Classification Process June 2021. Collection method: clinical testing. Allele origin: germline. Affected: yes.
Comment: Not observed at significant frequency in large population cohorts (gnomAD); In silico analysis supports that this missense variant has a deleterious effect on protein structure/function; Has not been previously published as pathogenic or benign to our knowledge

NM_013275.6(ANKRD11):c.740A>G (p.Tyr247Cys)

Gene: ANKRD11 (ankyrin repeat domain 11; minus strand). Cytogenetic location: 16q24.3.
Variant type: single nucleotide variant.
Coding change: c.740A>G on transcript NM_013275.6 (MANE Select); coding-DNA position 740, A replaced by G.
Protein change: p.Tyr247Cys; replaces tyrosine 247 with cysteine.
Molecular consequence: missense variant. On other transcripts: non-coding transcript variant (1).
Genome position (GRCh38, 1-based): chr16:89,288,532, T>C on the plus strand (A>G on the coding strand, the complement: ANKRD11 is on the minus strand). VCF-style: chr16-89288532-T-C. GRCh37 (hg19) VCF-style: chr16-89354940-T-C.
Other names: c.740A>G, p.Tyr247Cys (NM_001256182.2, NM_001256183.2); short protein forms Y247C.
Identifiers: ClinVar variation 2662134 (VCV002662134.4), dbSNP rs2034810573, ClinGen allele CA397166634.
Genomic context (GRCh38, chr16:89,288,532, plus strand): 5'-AGAACCACCCAGATGCCAGGACAGGCCGGATGTGTGAAGAACGGGGGGATGCCAACCTTG[T>C]AGTGCCCGTTGTTGGCAGCGTCGTGCAAAGGCGTGTCGTCATCTAGGCCCTTGGTGTTCA-3'
Protein context (NP_037407.4, residues 237-257): PLHDAANNGH[Tyr247Cys]KVVKLLLRYG